The following is an entry in ClinVar:

ClinVar aggregate classification (germline): Uncertain significance (1 of 4 stars; one submission).

Conditions:
Hereditary cancer-predisposing syndrome. Also called: Hereditary Cancer Syndrome; Hereditary neoplastic syndrome; Tumor predisposition; Neoplastic Syndromes, Hereditary. Identifiers: Orphanet 140162, MedGen C0027672, MeSH D009386, MONDO:0015356.

Submission:

Ambry Genetics
Classification: Uncertain significance for Hereditary cancer-predisposing syndrome. Last evaluated: 2021-11-13. Review status: criteria provided, single submitter. Criteria: Ambry Variant Classification Scheme 2023. Collection method: clinical testing. Allele origin: germline.
Comment: The p.F805L variant (also known as c.2413T>C), located in coding exon 10 of the AXIN2 gene, results from a T to C substitution at nucleotide position 2413. The phenylalanine at codon 805 is replaced by leucine, an amino acid with highly similar properties. This amino acid position is conserved. In addition, this alteration is predicted to be deleterious by in silico analysis. Since supporting evidence is limited at this time, the clinical significance of this alteration remains unclear.

NM_004655.4(AXIN2):c.2413T>C (p.Phe805Leu)

Gene: AXIN2 (axin 2; minus strand). Cytogenetic location: 17q24.1.
Variant type: single nucleotide variant.
Coding change: c.2413T>C on transcript NM_004655.4 (MANE Select); coding-DNA position 2413, T replaced by C.
Protein change: p.Phe805Leu; replaces phenylalanine 805 with leucine.
Molecular consequence: missense variant.
Genome position (GRCh38, 1-based): chr17:65,530,095, A>G on the plus strand (T>C on the coding strand, the complement: AXIN2 is on the minus strand). VCF-style: chr17-65530095-A-G. GRCh37 (hg19) VCF-style: chr17-63526213-A-G.
Other names: c.2218T>C, p.Phe740Leu (NM_001363813.1); short protein forms F740L, F805L.
Identifiers: ClinVar variation 1790919 (VCV001790919.2), dbSNP rs2509369186, ClinGen allele CA400674972.
Genomic context (GRCh38, chr17:65,530,095, plus strand): 5'-CATCCTCCCAGATCTCCTCAAACACCGCTCCACAGGCAAACTCATCGCTTGCTTTTTTGA[A>G]GTAATACCTTAAAAGGAAAACCAAAAAAGCTTCTTGGTAAACTGCATTTTCCACATTGTT-3'
Protein context (NP_004646.3, residues 795-815): LSKKGNYRYY[Phe805Leu]KKASDEFACG